The following is an entry in ClinVar:

ClinVar aggregate classification (germline): Uncertain significance (1 of 4 stars; one submission).

Conditions:
Tuberous sclerosis 2 (TSC2). Identifiers: Orphanet 805, MedGen C1860707, MONDO:0013199, OMIM 613254.

Submission:

Labcorp Genetics (formerly Invitae), Labcorp
Classification: Uncertain significance for Tuberous sclerosis 2. Last evaluated: 2025-06-09. Review status: criteria provided, single submitter. Criteria: Invitae Variant Classification Sherloc (09022015). Collection method: clinical testing. Allele origin: germline.
Comment: This sequence change replaces tyrosine, which is neutral and polar, with serine, which is neutral and polar, at codon 776 of the TSC2 protein (p.Tyr776Ser). This variant is not present in population databases (gnomAD no frequency). This variant has not been reported in the literature in individuals affected with TSC2-related conditions. Invitae Evidence Modeling of protein sequence and biophysical properties (such as structural, functional, and spatial information, amino acid conservation, physicochemical variation, residue mobility, and thermodynamic stability) indicates that this missense variant is expected to disrupt TSC2 protein function with a positive predictive value of 80%. In summary, the available evidence is currently insufficient to determine the role of this variant in disease. Therefore, it has been classified as a Variant of Uncertain Significance.

NM_000548.5(TSC2):c.2327A>C (p.Tyr776Ser)

Gene: TSC2 (TSC complex subunit 2; plus strand). Cytogenetic location: 16p13.3.
Variant type: single nucleotide variant.
Coding change: c.2327A>C on transcript NM_000548.5 (MANE Select); coding-DNA position 2327, A replaced by C.
Protein change: p.Tyr776Ser; replaces tyrosine 776 with serine.
Molecular consequence: missense variant. On other transcripts: non-coding transcript variant (5).
Genome position (GRCh38, 1-based): chr16:2,072,955, A>C. VCF-style: chr16-2072955-A-C. GRCh37 (hg19) VCF-style: chr16-2122956-A-C.
Other names: c.1727A>C, p.Tyr576Ser (NM_001406682.1, NM_001406683.1, NM_001406680.1 and 6 more transcripts); c.2327A>C, p.Tyr776Ser (NM_021055.3, NM_001077183.3, NM_001114382.3 and 6 more transcripts); c.2216A>C, p.Tyr739Ser (NM_001406678.1, NM_001318827.2, NM_001406670.1); c.2180A>C, p.Tyr727Ser (NM_001406679.1, NM_001406676.1, NM_001318829.2 and 1 more transcripts); c.1865A>C, p.Tyr622Ser (NM_001406681.1); c.2270A>C, p.Tyr757Ser (NM_001406677.1); c.983A>C, p.Tyr328Ser (NM_001406695.1, NM_001406696.1, NM_001406697.1 and 6 more transcripts); c.725A>C, p.Tyr242Ser (NM_001406698.1); and 3 more; short protein forms Y242S, Y328S, Y576S, Y622S, Y727S, Y739S, Y757S, Y772S.
Identifiers: ClinVar variation 4802859 (VCV004802859.1).